The following is an entry in ClinVar:

ClinVar aggregate classification (germline): Uncertain significance (1 of 4 stars; one submission).

Submission:

Labcorp Genetics (formerly Invitae), Labcorp
Classification: Uncertain significance. Last evaluated: 2022-12-16. Review status: criteria provided, single submitter. Criteria: Invitae Variant Classification Sherloc (09022015). Collection method: clinical testing. Allele origin: germline.
Comment: In summary, the available evidence is currently insufficient to determine the role of this variant in disease. Therefore, it has been classified as a Variant of Uncertain Significance. Advanced modeling of protein sequence and biophysical properties (such as structural, functional, and spatial information, amino acid conservation, physicochemical variation, residue mobility, and thermodynamic stability) performed at Invitae indicates that this missense variant is not expected to disrupt STAG1 protein function. This variant has not been reported in the literature in individuals affected with STAG1-related conditions. This variant is not present in population databases (gnomAD no frequency). This sequence change replaces isoleucine, which is neutral and non-polar, with valine, which is neutral and non-polar, at codon 312 of the STAG1 protein (p.Ile312Val).

NM_005862.3(STAG1):c.934A>G (p.Ile312Val)

Gene: STAG1 (STAG1 cohesin complex component; minus strand). Cytogenetic location: 3q22.3.
Variant type: single nucleotide variant.
Coding change: c.934A>G on transcript NM_005862.3 (MANE Select); coding-DNA position 934, A replaced by G.
Protein change: p.Ile312Val; replaces isoleucine 312 with valine.
Molecular consequence: missense variant.
Genome position (GRCh38, 1-based): chr3:136,477,381, T>C on the plus strand (A>G on the coding strand, the complement: STAG1 is on the minus strand). VCF-style: chr3-136477381-T-C. GRCh37 (hg19) VCF-style: chr3-136196223-T-C.
Other names: short protein forms I312V.
Identifiers: ClinVar variation 2814955 (VCV002814955.3), dbSNP rs2530697008, ClinGen allele CA354652894.